The following is an entry in ClinVar:

ClinVar aggregate classification (germline): Uncertain significance (1 of 4 stars; one submission).

Submission:

Labcorp Genetics (formerly Invitae), Labcorp
Classification: Uncertain significance. Last evaluated: 2023-05-30. Review status: criteria provided, single submitter. Criteria: Invitae Variant Classification Sherloc (09022015). Collection method: clinical testing. Allele origin: germline.
Comment: This variant has not been reported in the literature in individuals affected with POLR1A-related conditions. Advanced modeling of protein sequence and biophysical properties (such as structural, functional, and spatial information, amino acid conservation, physicochemical variation, residue mobility, and thermodynamic stability) performed at Invitae indicates that this missense variant is not expected to disrupt POLR1A protein function. In summary, the available evidence is currently insufficient to determine the role of this variant in disease. Therefore, it has been classified as a Variant of Uncertain Significance. This variant is not present in population databases (gnomAD no frequency). This sequence change replaces alanine, which is neutral and non-polar, with proline, which is neutral and non-polar, at codon 179 of the POLR1A protein (p.Ala179Pro).

NM_015425.6(POLR1A):c.535G>C (p.Ala179Pro)

Gene: POLR1A (RNA polymerase I subunit A; minus strand). Cytogenetic location: 2p11.2.
Variant type: single nucleotide variant.
Coding change: c.535G>C on transcript NM_015425.6 (MANE Select); coding-DNA position 535, G replaced by C.
Protein change: p.Ala179Pro; replaces alanine 179 with proline.
Molecular consequence: missense variant.
Genome position (GRCh38, 1-based): chr2:86,089,827, C>G on the plus strand (G>C on the coding strand, the complement: POLR1A is on the minus strand). VCF-style: chr2-86089827-C-G. GRCh37 (hg19) VCF-style: chr2-86316950-C-G.
Other names: short protein forms A179P.
Identifiers: ClinVar variation 2751772 (VCV002751772.3), dbSNP rs758151815, ClinGen allele CA347556285.